The following is an entry in ClinVar:

ClinVar aggregate classification (germline): Uncertain significance (1 of 4 stars; one submission).

Conditions:
Cardiovascular phenotype. Identifiers: MedGen CN230736.

gnomAD v4.1: 2 of 1,614,074 alleles (0.00012%); highest among the groups gnomAD compares: Non-Finnish European, 0.00017%; no homozygotes.

Submission:

Ambry Genetics
Classification: Uncertain significance for Cardiovascular phenotype. Last evaluated: 2026-08-31. Review status: criteria provided, single submitter. Criteria: Ambry Variant Classification Scheme 2023. Collection method: clinical testing. Allele origin: germline.
Comment: The p.R1951P variant (also known as c.5852G>C), located in coding exon 24 of the DSP gene, results from a G to C substitution at nucleotide position 5852. The arginine at codon 1951 is replaced by proline, an amino acid with dissimilar properties. This amino acid position is conserved. In addition, the in silico prediction for this alteration is inconclusive. Based on the available evidence, the clinical significance of this variant remains unclear.

NM_004415.4(DSP):c.5852G>C (p.Arg1951Pro)

Gene: DSP (desmoplakin; plus strand). Cytogenetic location: 6p24.3.
Variant type: single nucleotide variant.
Coding change: c.5852G>C on transcript NM_004415.4 (MANE Select); coding-DNA position 5852, G replaced by C.
Protein change: p.Arg1951Pro; replaces arginine 1951 with proline.
Molecular consequence: missense variant.
Genome position (GRCh38, 1-based): chr6:7,583,114, G>C. VCF-style: chr6-7583114-G-C. GRCh37 (hg19) VCF-style: chr6-7583347-G-C.
Other names: c.4055G>C, p.Arg1352Pro (NM_001008844.3); c.4523G>C, p.Arg1508Pro (NM_001319034.2); short protein forms R1951P, R1508P, R1352P.
Identifiers: ClinVar variation 5035669 (VCV005035669.1).
Genomic context (GRCh38, chr6:7,583,114, plus strand): 5'-AACGCTCCCGATATCAGAGGGAGATTGATAAACTCAGACAGCGCCCATATGGGTCCCATC[G>C]AGAGACCCAGACTGAGTGTGAGTGGACCGTTGACACCTCCAAGCTGGTGTTTGATGGGCT-3'
Protein context (NP_004406.2, residues 1941-1961): KLRQRPYGSH[Arg1951Pro]ETQTECEWTV